The following is an entry in ClinVar:

ClinVar aggregate classification (germline): Uncertain significance (1 of 4 stars; one submission).

Allele frequency attached by ClinVar (database versions not stated): gnomAD exomes below 0.00001; TOPMed below 0.00001.

Submission:

GeneDx
Classification: Uncertain significance. Last evaluated: 2022-10-27. Review status: criteria provided, single submitter. Criteria: GeneDx Variant Classification Process June 2021. Collection method: clinical testing. Allele origin: germline. Affected: yes.
Comment: Not observed at significant frequency in large population cohorts (gnomAD); In silico analysis supports that this missense variant has a deleterious effect on protein structure/function; Has not been previously published as pathogenic or benign to our knowledge

NM_005787.6(ALG3):c.359A>G (p.Asp120Gly)

Gene: ALG3 (ALG3 alpha-1,3- mannosyltransferase; minus strand). Cytogenetic location: 3q27.1.
Variant type: single nucleotide variant.
Coding change: c.359A>G on transcript NM_005787.6 (MANE Select); coding-DNA position 359, A replaced by G.
Protein change: p.Asp120Gly; replaces aspartic acid 120 with glycine.
Molecular consequence: missense variant. On other transcripts: non-coding transcript variant (2).
Genome position (GRCh38, 1-based): chr3:184,245,553, T>C on the plus strand (A>G on the coding strand, the complement: ALG3 is on the minus strand). VCF-style: chr3-184245553-T-C. GRCh37 (hg19) VCF-style: chr3-183963341-T-C.
Other names: c.215A>G, p.Asp72Gly (NM_001006941.2); c.254A>G, p.Asp85Gly (NM_001006942.1); short protein forms D120G, D72G, D85G.
Identifiers: ClinVar variation 2500527 (VCV002500527.1), dbSNP rs951800544, ClinGen allele CA88879658.